The following is an entry in ClinVar:

NM_004415.4(DSP):c.1630A>C (p.Met544Leu)

Gene: DSP (desmoplakin; plus strand). Cytogenetic location: 6p24.3.
Variant type: single nucleotide variant.
Coding change: c.1630A>C on transcript NM_004415.4 (MANE Select); coding-DNA position 1630, A replaced by C.
Protein change: p.Met544Leu; replaces methionine 544 with leucine.
Molecular consequence: missense variant.
Genome position (GRCh38, 1-based): chr6:7,570,492, A>C. VCF-style: chr6-7570492-A-C. GRCh37 (hg19) VCF-style: chr6-7570725-A-C.
Other names: p.Met544Leu; c.1630A>C, p.Met544Leu (NM_001008844.3, NM_001319034.2); c.1630A>C (LRG_423t1, NM_004415.3); short protein forms M544L.
Identifiers: ClinVar variation 191635 (VCV000191635.18), dbSNP rs201960323, ClinGen allele CA005059.

ClinVar aggregate classification (germline): Conflicting classifications of pathogenicity. Review status: criteria provided, conflicting classifications (1 of 4 stars). 8 submissions from 8 submitters: Uncertain significance (7); Likely benign (1). Last evaluated 2026-04-14.

Conditions:
DSP-related disorder. Also called: DSP-related condition; DSP-related disorders.
Cardiovascular phenotype. Identifiers: MedGen CN230736.
Arrhythmogenic cardiomyopathy with wooly hair and keratoderma. Also called: Carvajal syndrome; Dilated cardiomyopathy with woolly hair and keratoderma; PALMOPLANTAR KERATODERMA WITH LEFT VENTRICULAR CARDIOMYOPATHY AND WOOLLY HAIR; Arrhythmogenic cardiomyopathy with woolly hair and keratoderma. Identifiers: Orphanet 65282, MedGen C1854063, MONDO:0011581, OMIM 605676.
Arrhythmogenic right ventricular dysplasia 8 (ARVD8). Also called: Arrhythmogenic Right Ventricular Dysplasia/Cardiomyopathy 8; ARRHYTHMOGENIC RIGHT VENTRICULAR CARDIOMYOPATHY 8; ARRHYTHMOGENIC RIGHT VENTRICULAR DYSPLASIA, FAMILIAL, 8. Identifiers: MedGen C1843896, MONDO:0011831, OMIM 607450.
Cardiomyopathy (CMYO). Also called: Cardiomyopathies. Identifiers: Orphanet 167848, MedGen C0878544, MONDO:0004994, HP:0001638. Inheritance: Various modes of inheritance.

Allele frequency attached by ClinVar (database versions not stated): TOPMed 0.00002; ExAC 0.00003; gnomAD exomes 0.00003.
gnomAD v4.1: 77 of 1,614,040 alleles (0.0048%); highest among the groups gnomAD compares: Non-Finnish European, 0.0062%; no homozygotes.

Submissions (8):

PreventionGenetics, part of Exact Sciences
Classification: Uncertain significance for DSP-related condition. Last evaluated: 2026-04-14. Review status: criteria provided, single submitter. Criteria: ACMG Guidelines, 2015. Collection method: clinical testing. Allele origin: germline.
Comment: The DSP c.1630A>C variant is predicted to result in the amino acid substitution p.Met544Leu. To our knowledge, this variant has not been reported in the literature in individuals with DSP-related disorders. This variant is reported in 0.0044% of alleles in individuals of European (Non-Finnish) descent in gnomAD. At this time, the clinical significance of this variant is uncertain due to the absence of conclusive functional and genetic evidence.

Labcorp Genetics (formerly Invitae), Labcorp
Classification: Likely benign for Arrhythmogenic cardiomyopathy with wooly hair and keratoderma; Arrhythmogenic right ventricular dysplasia 8. Last evaluated: 2026-01-25. Review status: criteria provided, single submitter. Criteria: Invitae Variant Classification Sherloc (09022015). Collection method: clinical testing. Allele origin: germline.

Color Diagnostics, LLC DBA Color Health
Classification: Uncertain significance for Cardiomyopathy. Last evaluated: 2025-08-11. Review status: criteria provided, single submitter. Criteria: ACMG Guidelines, 2015. Collection method: clinical testing. Allele origin: germline.
Comment: This missense variant replaces methionine with leucine at codon 544 of the DSP protein. Computational prediction suggests that this variant may not impact protein structure and function. To our knowledge, functional studies have not been reported for this variant. This variant has not been reported in individuals affected with DSP-related disorders in the literature. This variant has been identified in 7/251380 chromosomes in the general population by the Genome Aggregation Database (gnomAD). The available evidence is insufficient to determine the role of this variant in disease conclusively. Therefore, this variant is classified as a Variant of Uncertain Significance.

Ambry Genetics
Classification: Uncertain significance for Cardiovascular phenotype. Last evaluated: 2024-01-10. Review status: criteria provided, single submitter. Criteria: Ambry Variant Classification Scheme 2023. Collection method: clinical testing. Allele origin: germline.
Comment: The p.M544L variant (also known as c.1630A>C), located in coding exon 13 of the DSP gene, results from an A to C substitution at nucleotide position 1630. The methionine at codon 544 is replaced by leucine, an amino acid with highly similar properties. This amino acid position is well conserved in available vertebrate species. In addition, the in silico prediction for this alteration is inconclusive. Since supporting evidence is limited at this time, the clinical significance of this alteration remains unclear.

All of Us Research Program, National Institutes of Health
Classification: Uncertain significance for Arrhythmogenic cardiomyopathy with wooly hair and keratoderma. Last evaluated: 2023-12-01. Review status: criteria provided, single submitter. Criteria: ACMG Guidelines, 2015. Collection method: clinical testing. Allele origin: germline. Inheritance: Autosomal dominant inheritance. Observed: 5 variant alleles, 5 heterozygotes.
Comment: This missense variant replaces methionine with leucine at codon 544 of the DSP protein. Computational prediction suggests that this variant may not impact protein structure and function (internally defined REVEL score threshold <= 0.5, PMID: 27666373). To our knowledge, functional studies have not been reported for this variant. This variant has not been reported in individuals affected with DSP-related disorders in the literature. This variant has been identified in 7/251380 chromosomes in the general population by the Genome Aggregation Database (gnomAD). The available evidence is insufficient to determine the role of this variant in disease conclusively. Therefore, this variant is classified as a Variant of Uncertain Significance.

This study involves interpretation of variants in research participants for the purpose of population health screening. Participant phenotype was not available at the time of variant classification. Additional details can be found in publication PMID: 35346344, PMCID: PMC8962531

Clinical Genomics Laboratory, Stanford Medicine
Classification: Uncertain significance for Arrhythmogenic right ventricular dysplasia 8. Last evaluated: 2021-05-07. Review status: criteria provided, single submitter. Criteria: ACMG Guidelines, 2015. Collection method: clinical testing. Allele origin: germline. Affected: yes. Observed: 1 heterozygote.
Comment: The p.Met544Leu variant in the DSP gene has been previously reported in 1 individual from a cohort of individuals not selected for a history of arrhythmia, cardiomyopathy or family history of sudden cardiac (Ng et al., 2013). • This variant has been identified in 5/113,668 European chromosomes by the Genome Aggregation Database. • Computational tools predict that the p.Met544Leu variant does not impact protein function; however, the accuracy of in silico algorithms is limited. • These data were assessed using the ACMG/AMP variant interpretation guidelines. In summary, the significance of the p.Met544Leu variant is uncertain. Additional information is needed to resolve the significance of this variant. [ACMG evidence codes used: PM2]

GeneDx
Classification: Uncertain significance. Last evaluated: 2017-09-08. Review status: criteria provided, single submitter. Criteria: GeneDx Variant Classification (06012015). Collection method: clinical testing. Allele origin: germline. Affected: yes.
Comment: A variant of uncertain significance has been identified in the DSP gene. The M544L variant has been observed in at least one individual from a cohort of individuals not selected for cardiomyopathy, arrhythmia, or family history of sudden cardiac death, who underwent exome sequencing (Ng et al., 2013); however, a follow-up cardiac evaluation was not reported. The M544L variant is not observed at a significant frequency in large population cohorts (Lek et al., 2016; 1000 Genomes Consortium et al., 2015; Exome Variant Server). The M544L variant is a conservative amino acid substitution, which is not likely to impact secondary protein structure as these residues share similar properties. This substitution occurs at a position where amino acids with similar properties to methionine (M) are tolerated across species. Nevertheless, in silico analysis is inconsistent in its predictions as to whether or not the variant is damaging to the protein structure/function.

Biesecker Lab/Clinical Genomics Section, National Institutes of Health
Classification: Uncertain significance. Last evaluated: 2013-06-24. Review status: criteria provided, single submitter. Criteria: Ng et al. (Circ Cardiovasc Genet. 2013). Collection method: research. Allele origin: unknown. Observed: 1 variant allele. Study: ClinSeq.
Comment: The study set was not selected for affection status in relation to any cancer. Pathogenicity categories were based on literature curation. See Pubmed ID:23861362 for details.

Medical sequencing